The following is an entry in ClinVar:

ClinVar aggregate classification (germline): Uncertain significance. Review status: criteria provided, multiple submitters, no conflicts (2 of 4 stars). 2 submissions from 2 submitters: Uncertain significance (2). Last evaluated 2025-10-02.

Conditions:
Congenital disorder of glycosylation, type Ii. Also called: CDG Ii; ALG2-CDG; ALG2-congenital disorder of glycosylation. Identifiers: Orphanet 79326, MedGen C1842836, MONDO:0011933, OMIM 607906.
Congenital myasthenic syndrome 14. Also called: Myasthenic syndrome, congenital, 14, with tubular aggregates. Identifiers: Orphanet 353327, Orphanet 590, MedGen C4015597, MONDO:0014543, OMIM 616228.
Inborn genetic diseases. Identifiers: MedGen C0950123, MeSH D030342.

Allele frequency attached by ClinVar (database versions not stated): gnomAD 0.00021 and 0.00022; TOPMed 0.00020; ESP Exome Variant Server 0.00015.

Submissions (2):

Ambry Genetics
Classification: Uncertain significance for Inborn genetic diseases. Last evaluated: 2025-10-02. Review status: criteria provided, single submitter. Criteria: Ambry Variant Classification Scheme 2023. Collection method: clinical testing. Allele origin: germline.

Labcorp Genetics (formerly Invitae), Labcorp
Classification: Uncertain significance for Congenital disorder of glycosylation, type Ii; Congenital myasthenic syndrome 14. Last evaluated: 2022-10-17. Review status: criteria provided, single submitter. Criteria: Invitae Variant Classification Sherloc (09022015). Collection method: clinical testing. Allele origin: germline.
Comment: This sequence change replaces proline, which is neutral and non-polar, with threonine, which is neutral and polar, at codon 158 of the ALG2 protein (p.Pro158Thr). This variant is present in population databases (rs140382423, gnomAD 0.03%), including at least one homozygous and/or hemizygous individual. This variant has not been reported in the literature in individuals affected with ALG2-related conditions. ClinVar contains an entry for this variant (Variation ID: 364209). Algorithms developed to predict the effect of missense changes on protein structure and function are either unavailable or do not agree on the potential impact of this missense change (SIFT: "Tolerated"; PolyPhen-2: "Probably Damaging"; Align-GVGD: "Class C0"). In summary, the available evidence is currently insufficient to determine the role of this variant in disease. Therefore, it has been classified as a Variant of Uncertain Significance.

NM_033087.4(ALG2):c.472C>A (p.Pro158Thr)

Gene: ALG2 (ALG2 alpha-1,3/1,6-mannosyltransferase; minus strand). Cytogenetic location: 9q22.33.
Variant type: single nucleotide variant.
Coding change: c.472C>A on transcript NM_033087.4 (MANE Select); coding-DNA position 472, C replaced by A.
Protein change: p.Pro158Thr; replaces proline 158 with threonine.
Molecular consequence: missense variant. On other transcripts: non-coding transcript variant (1).
Genome position (GRCh38, 1-based): chr9:99,218,713, G>T on the plus strand (C>A on the coding strand, the complement: ALG2 is on the minus strand). VCF-style: chr9-99218713-G-T. GRCh37 (hg19) VCF-style: chr9-101980995-G-T.
Other names: short protein forms P158T.
Identifiers: ClinVar variation 364209 (VCV000364209.8), dbSNP rs140382423, ClinGen allele CA5156311.